The following is an entry in ClinVar:

ClinVar aggregate classification (germline): Likely benign (1 of 4 stars; one submission).

Conditions:
Tuberous sclerosis 2 (TSC2). Identifiers: Orphanet 805, MedGen C1860707, MONDO:0013199, OMIM 613254.

Submission:

Myriad Genetics, Inc.
Classification: Likely benign for Tuberous sclerosis 2. Last evaluated: 2025-05-14. Review status: criteria provided, single submitter. Criteria: Myriad Autosomal Dominant, Autosomal Recessive and X-Linked Classification Criteria (2023). Collection method: clinical testing. Allele origin: unknown.
Comment: This variant is considered likely benign. This variant is intronic and is not expected to impact mRNA splicing.

NM_000548.5(TSC2):c.1362-12G>C

Gene: TSC2 (TSC complex subunit 2; plus strand). Cytogenetic location: 16p13.3.
Variant type: single nucleotide variant.
Coding change: c.1362-12G>C on transcript NM_000548.5 (MANE Select); 12 bases into the intron before coding-DNA position 1362, G replaced by C.
Molecular consequence: intron variant.
Genome position (GRCh38, 1-based): chr16:2,062,960, G>C. VCF-style: chr16-2062960-G-C. GRCh37 (hg19) VCF-style: chr16-2112961-G-C.
Other names: c.18-12G>C (NM_001406693.1, NM_001406689.1, NM_001406690.1 and 6 more transcripts); c.1452-12G>C (NM_001406667.1, NM_001406668.1); c.762-12G>C (NM_001406680.1, NM_001406683.1, NM_001406687.1 and 6 more transcripts); c.-160+360G>C (NM_001406698.1); c.1362-12G>C (NM_001114382.3, NM_001406663.1, NM_001406664.1 and 6 more transcripts); c.1350-12G>C (NM_001406671.1, NM_001406673.1); c.900-12G>C (NM_001406681.1); c.1251-12G>C (NM_001406670.1, NM_001318827.2, NM_001406678.1); and 3 more.
Identifiers: ClinVar variation 4071297 (VCV004071297.1).
Genomic context (GRCh38, chr16:2,062,960, plus strand): 5'-CCAGGCAGACGGGCTGGTGTGGGGCTGTGGCCGGGCACTCCCCACCCGCCCCAGCAGGCT[G>C]CCGTCCCGCAGGAGCGAGTCCCGAGGCGCCGTGCGCATCAAGGTGCTGGACGTGCTGTCC-3'